The following is an entry in ClinVar:

ClinVar aggregate classification (germline): Likely benign. Review status: criteria provided, multiple submitters, no conflicts (2 of 4 stars). 2 submissions from 2 submitters: Likely benign (2). Last evaluated 2018-06-16.

Allele frequency attached by ClinVar (database versions not stated): 1000 Genomes Project 30x 0.04622; 1000 Genomes Project 0.04952.
gnomAD v4.1: 13,219 of 1,593,194 alleles (0.83%); highest among the groups gnomAD compares: East Asian, 16%; 714 homozygotes.

Submissions (2):

GeneDx
Classification: Likely benign. Last evaluated: 2018-06-16. Review status: criteria provided, single submitter. Criteria: GeneDx Variant Classification (06012015). Collection method: clinical testing. Allele origin: germline. Affected: yes.
Comment: This variant is considered likely benign or benign based on one or more of the following criteria: it is a conservative change, it occurs at a poorly conserved position in the protein, it is predicted to be benign by multiple in silico algorithms, and/or has population frequency not consistent with disease.

Breakthrough Genomics
Classification: Likely benign. Review status: criteria provided, single submitter. Criteria: ACMG Guidelines, 2015. Collection method: not provided. Allele origin: germline. Inheritance: Autosomal dominant inheritance. Affected: yes.

NM_001276345.2(TNNT2):c.68-70G>T

Gene: TNNT2 (troponin T2, cardiac type; minus strand). Cytogenetic location: 1q32.1.
Variant type: single nucleotide variant.
Coding change: c.68-70G>T on transcript NM_001276345.2 (MANE Select); 70 bases into the intron before coding-DNA position 68, G replaced by T.
Molecular consequence: intron variant.
Genome position (GRCh38, 1-based): chr1:201,369,915, C>A on the plus strand (G>T on the coding strand, the complement: TNNT2 is on the minus strand). VCF-style: chr1-201369915-C-A. GRCh37 (hg19) VCF-style: chr1-201339043-C-A.
Other names: c.53-1688G>T (NM_001001432.3); c.68-1688G>T (NM_001001431.3, NM_001001430.3, NM_001276347.2); c.68-70G>T (NM_001276346.2, NM_000364.4).
Identifiers: ClinVar variation 674131 (VCV000674131.2), dbSNP rs12049476, ClinGen allele CA35429647.
Genomic context (GRCh38, chr1:201,369,915, plus strand): 5'-AGGGAGTGGCCGCAGCGGAGGGGAAAAGCGAGACAGGTTAGTCTGGGAGCAGAGAGCCCG[C>A]GGCAGGAGCAGCCACCCAGCGCAGTGGTTTTAAGAGTGTGGGCTTTGGAGTTAGGCCGGC-3'